The following is an entry in ClinVar:

NM_000350.3(ABCA4):c.6647C>A (p.Ala2216Glu)

Gene: ABCA4 (ATP binding cassette subfamily A member 4; minus strand). Cytogenetic location: 1p22.1.
Variant type: single nucleotide variant.
Coding change: c.6647C>A on transcript NM_000350.3 (MANE Select); coding-DNA position 6647, C replaced by A.
Protein change: p.Ala2216Glu; replaces alanine 2216 with glutamic acid.
Molecular consequence: missense variant.
Genome position (GRCh38, 1-based): chr1:93,997,943, G>T on the plus strand (C>A on the coding strand, the complement: ABCA4 is on the minus strand). VCF-style: chr1-93997943-G-T. GRCh37 (hg19) VCF-style: chr1-94463499-G-T.
Other names: c.6425C>A, p.Ala2142Glu (NM_001425324.1); short protein forms A2216E, A2142E.
Identifiers: ClinVar variation 2856450 (VCV002856450.3), dbSNP rs886044763, ClinGen allele CA341276391.

ClinVar aggregate classification (germline): Likely pathogenic (1 of 4 stars; one submission).

gnomAD v4.1: 3 of 1,614,060 alleles (0.00019%); highest among the groups gnomAD compares: Admixed American, 0.0017%; no homozygotes.

Submission:

Labcorp Genetics (formerly Invitae), Labcorp
Classification: Likely pathogenic. Last evaluated: 2025-04-02. Review status: criteria provided, single submitter. Criteria: Invitae Variant Classification Sherloc (09022015). Collection method: clinical testing. Allele origin: germline.
Comment: This sequence change replaces alanine, which is neutral and non-polar, with glutamic acid, which is acidic and polar, at codon 2216 of the ABCA4 protein (p.Ala2216Glu). This variant is present in population databases (no rsID available, gnomAD 0.003%). This variant has not been reported in the literature in individuals affected with ABCA4-related conditions. ClinVar contains an entry for this variant (Variation ID: 2856450). Invitae Evidence Modeling of protein sequence and biophysical properties (such as structural, functional, and spatial information, amino acid conservation, physicochemical variation, residue mobility, and thermodynamic stability) indicates that this missense variant is expected to disrupt ABCA4 protein function with a positive predictive value of 95%. This variant disrupts the p.Ala2216 amino acid residue in ABCA4. Other variant(s) that disrupt this residue have been determined to be pathogenic (PMID: 10958763, 28118664, 29925512, 32619608). This suggests that this residue is clinically significant, and that variants that disrupt this residue are likely to be disease-causing. In summary, the currently available evidence indicates that the variant is pathogenic, but additional data are needed to prove that conclusively. Therefore, this variant has been classified as Likely Pathogenic.

Literature cited by the submitters: PubMed 10958763; PubMed 28118664; PubMed 29925512; PubMed 32619608.